The following is an entry in ClinVar:

ClinVar aggregate classification (germline): Uncertain significance (1 of 4 stars; one submission).

Allele frequency attached by ClinVar (database versions not stated): gnomAD exomes below 0.00001.
gnomAD v4.1: 1 of 1,525,504 alleles (0.000066%); highest among the groups gnomAD compares: Non-Finnish European, 0.000088%; no homozygotes.

Submission:

GeneDx
Classification: Uncertain significance. Last evaluated: 2022-01-13. Review status: criteria provided, single submitter. Criteria: GeneDx Variant Classification Process June 2021. Collection method: clinical testing. Allele origin: germline. Affected: yes.
Comment: Not observed at significant frequency in large population cohorts (gnomAD); In silico analysis supports that this missense variant has a deleterious effect on protein structure/function; Has not been previously published as pathogenic or benign to our knowledge

NM_176787.5(PIGN):c.581C>T (p.Ser194Phe)

Gene: PIGN (phosphatidylinositol glycan anchor biosynthesis class N; minus strand). Cytogenetic location: 18q21.33.
Variant type: single nucleotide variant.
Coding change: c.581C>T on transcript NM_176787.5 (MANE Select); coding-DNA position 581, C replaced by T.
Protein change: p.Ser194Phe; replaces serine 194 with phenylalanine.
Molecular consequence: missense variant.
Genome position (GRCh38, 1-based): chr18:62,148,307, G>A on the plus strand (C>T on the coding strand, the complement: PIGN is on the minus strand). VCF-style: chr18-62148307-G-A. GRCh37 (hg19) VCF-style: chr18-59815540-G-A.
Other names: c.581C>T, p.Ser194Phe (NM_012327.6); short protein forms S194F.
Identifiers: ClinVar variation 1696901 (VCV001696901.2), dbSNP rs2147313141, ClinGen allele CA402602261.